The following is an entry in ClinVar:

NM_015569.5(DNM3):c.1126A>C (p.Lys376Gln)

Gene: DNM3 (dynamin 3; plus strand). Cytogenetic location: 1q24.3.
Variant type: single nucleotide variant.
Coding change: c.1126A>C on transcript NM_015569.5 (MANE Select); coding-DNA position 1126, A replaced by C.
Protein change: p.Lys376Gln; replaces lysine 376 with glutamine.
Molecular consequence: missense variant. On other transcripts: non-coding transcript variant (1).
Genome position (GRCh38, 1-based): chr1:172,042,142, A>C. VCF-style: chr1-172042142-A-C. GRCh37 (hg19) VCF-style: chr1-172011282-A-C.
Other names: c.1126A>C, p.Lys376Gln (NM_001136127.3, NM_001278252.2, NM_001350204.2 and 2 more transcripts); short protein forms K376Q.
Identifiers: ClinVar variation 3349934 (VCV003349934.1).
Genomic context (GRCh38, chr1:172,042,142, plus strand): 5'-CTCTCAGGTGGTGCTAAAATCAATCGTATTTTTCATGAACGCTTTCCTTTTGAGATAGTA[A>C]AGGTTTGTGTCAAACGTTATTTTTTTCTTAGTTTCACTTCACTTCCATATTCTGTTTTAT-3'
Protein context (NP_056384.2, residues 366-386): FHERFPFEIV[Lys376Gln]MEFNEKELRR

ClinVar aggregate classification (germline): Uncertain significance (0 of 4 stars; one submission).

Conditions:
DNM3-related condition.

Submission:

PreventionGenetics, part of Exact Sciences
Classification: Uncertain significance for DNM3-related condition. Last evaluated: 2024-03-22. Review status: no assertion criteria provided. Collection method: clinical testing. Allele origin: germline.
Comment: The DNM3 c.1126A>C variant is predicted to result in the amino acid substitution p.Lys376Gln. To our knowledge, this variant has not been reported in the literature or in a large population database, indicating this variant is rare. At this time, the clinical significance of this variant is uncertain due to the absence of conclusive functional and genetic evidence.